The following is an entry in ClinVar:

ClinVar aggregate classification (germline): Uncertain significance (1 of 4 stars; one submission).

Conditions:
Familial hypocalciuric hypercalcemia (FHH). Also called: Familial benign hypercalcemia. Identifiers: Orphanet 405, MedGen C1809471, MONDO:0018458.
Autosomal dominant hypocalcemia 1 (HYPOC1). Also called: HYPOCALCEMIA, FAMILIAL. Identifiers: MedGen C3715128, MONDO:0011013, OMIM 601198.

Submission:

Labcorp Genetics (formerly Invitae), Labcorp
Classification: Uncertain significance for Familial hypocalciuric hypercalcemia; Autosomal dominant hypocalcemia 1. Last evaluated: 2019-09-09. Review status: criteria provided, single submitter. Criteria: Invitae Variant Classification Sherloc (09022015). Collection method: clinical testing. Allele origin: germline.
Comment: In summary, the available evidence is currently insufficient to determine the role of this variant in disease. Therefore, it has been classified as a Variant of Uncertain Significance. This variant has not been reported in the literature in individuals with CASR-related conditions. This variant is not present in population databases (ExAC no frequency). This sequence change results in a premature translational stop signal in the CASR gene (p.Arg955*). While this is not anticipated to result in nonsense mediated decay, it is expected to disrupt the last 124 amino acids of the CASR protein.

NM_000388.4(CASR):c.2863C>T (p.Arg955Ter)

Gene: CASR (calcium sensing receptor; plus strand). Cytogenetic location: 3q21.1.
Variant type: single nucleotide variant.
Coding change: c.2863C>T on transcript NM_000388.4 (MANE Select); coding-DNA position 2863, C replaced by T.
Protein change: p.Arg955Ter; replaces arginine 955 with a stop codon.
Molecular consequence: nonsense.
Genome position (GRCh38, 1-based): chr3:122,284,817, C>T. VCF-style: chr3-122284817-C-T. GRCh37 (hg19) VCF-style: chr3-122003664-C-T.
Other names: c.2893C>T, p.Arg965Ter (NM_001178065.2); short protein forms R965*, R955*.
Identifiers: ClinVar variation 940166 (VCV000940166.8), dbSNP rs2074947445, ClinGen allele CA354160934.